The following is an entry in ClinVar:

NM_201253.3(CRB1):c.1685C>T (p.Thr562Ile)

Gene: CRB1 (crumbs cell polarity complex component 1; plus strand). Cytogenetic location: 1q31.3.
Variant type: single nucleotide variant.
Coding change: c.1685C>T on transcript NM_201253.3 (MANE Select); coding-DNA position 1685, C replaced by T.
Protein change: p.Thr562Ile; replaces threonine 562 with isoleucine.
Molecular consequence: missense variant. On other transcripts: non-coding transcript variant (2).
Genome position (GRCh38, 1-based): chr1:197,421,513, C>T. VCF-style: chr1-197421513-C-T. GRCh37 (hg19) VCF-style: chr1-197390643-C-T.
Other names: c.1349C>T, p.Thr450Ile (NM_001193640.2); c.1478C>T, p.Thr493Ile (NM_001257965.2); c.1685C>T, p.Thr562Ile (NM_001257966.2); short protein forms T450I, T493I, T562I.
Identifiers: ClinVar variation 1971696 (VCV001971696.6), dbSNP rs1664316358, ClinGen allele CA344032056.

ClinVar aggregate classification (germline): Uncertain significance. Review status: criteria provided, multiple submitters, no conflicts (2 of 4 stars). 2 submissions from 2 submitters: Uncertain significance (2). Last evaluated 2022-01-25.

Conditions:
Retinitis pigmentosa 12 (RP12). Also called: RP WITH OR WITHOUT PPRPE; RP WITH OR WITHOUT PRESERVED PARAARTERIOLE RETINAL PIGMENT EPITHELIUM; RETINITIS PIGMENTOSA WITH OR WITHOUT PARAARTERIOLAR PRESERVATION OF RETINAL PIGMENT EPITHELIUM. Identifiers: Orphanet 791, MedGen C1838647, MONDO:0010818, OMIM 600105.
Leber congenital amaurosis 8 (LCA8). Identifiers: Orphanet 65, MedGen C3151202, MONDO:0013453, OMIM 613835.

Allele frequency attached by ClinVar (database versions not stated): gnomAD 0.00001.
gnomAD v4.1: 1 of 1,614,092 alleles (0.000062%); highest among the groups gnomAD compares: Admixed American, 0.0017%; no homozygotes.

Submissions (2):

Labcorp Genetics (formerly Invitae), Labcorp
Classification: Uncertain significance for Leber congenital amaurosis 8; Retinitis pigmentosa 12. Last evaluated: 2022-01-25. Review status: criteria provided, single submitter. Criteria: Invitae Variant Classification Sherloc (09022015). Collection method: clinical testing. Allele origin: germline.
Comment: In summary, the available evidence is currently insufficient to determine the role of this variant in disease. Therefore, it has been classified as a Variant of Uncertain Significance. Advanced modeling of protein sequence and biophysical properties (such as structural, functional, and spatial information, amino acid conservation, physicochemical variation, residue mobility, and thermodynamic stability) performed at Invitae indicates that this missense variant is not expected to disrupt CRB1 protein function. This variant has not been reported in the literature in individuals affected with CRB1-related conditions. This variant is not present in population databases (gnomAD no frequency). This sequence change replaces threonine, which is neutral and polar, with isoleucine, which is neutral and non-polar, at codon 562 of the CRB1 protein (p.Thr562Ile).

Blueprint Genetics
Classification: Uncertain significance. Last evaluated: 2022-01-12. Review status: criteria provided, single submitter. Criteria: ACMG Guidelines, 2015. Collection method: clinical testing. Allele origin: germline.